The following is an entry in ClinVar:

NM_000702.4(ATP1A2):c.2554G>C (p.Gly852Arg)

Gene: ATP1A2 (ATPase Na+/K+ transporting subunit alpha 2; plus strand). Cytogenetic location: 1q23.2.
Variant type: single nucleotide variant.
Coding change: c.2554G>C on transcript NM_000702.4 (MANE Select); coding-DNA position 2554, G replaced by C.
Protein change: p.Gly852Arg; replaces glycine 852 with arginine.
Molecular consequence: missense variant.
Genome position (GRCh38, 1-based): chr1:160,136,361, G>C. VCF-style: chr1-160136361-G-C. GRCh37 (hg19) VCF-style: chr1-160106151-G-C.
Other names: short protein forms G852R.
Identifiers: ClinVar variation 546170 (VCV000546170.3), dbSNP rs1553245853, ClinGen allele CA343251673.
Genomic context (GRCh38, chr1:160,136,361, plus strand): 5'-CAGCCACGAAACTCCCAGACGGACAAGCTGGTGAATGAGAGGCTCATCAGCATGGCCTAC[G>C]GACAGATCGGTGCGCCAAGCCCCGGGCCTCGGGAGGGAACCCCAACAGGGTTCTTTTCCC-3'
Protein context (NP_000693.1, residues 842-862): VNERLISMAY[Gly852Arg]QIGMIQALGG

ClinVar aggregate classification (germline): Uncertain significance (1 of 4 stars; one submission).

Submission:

GeneDx
Classification: Uncertain significance. Last evaluated: 2020-02-24. Review status: criteria provided, single submitter. Criteria: GeneDx Variant Classification Process June 2021. Collection method: clinical testing. Allele origin: germline. Affected: yes.
Comment: Not observed in large population cohorts (Lek et al., 2016); In silico analysis supports that this missense variant has a deleterious effect on protein structure/function; Has not been previously published as pathogenic or benign to our knowledge